The following is an entry in ClinVar:

NM_004364.5(CEBPA):c.558_562delinsCT (p.Pro187_Pro188delinsSer)

Gene: CEBPA (CCAAT enhancer binding protein alpha; minus strand). Cytogenetic location: 19q13.11.
Variant type: Indel.
Coding change: c.558_562delinsCT on transcript NM_004364.5 (MANE Select); coding-DNA positions 558 to 562, GCCGC replaced by CT.
Protein change: p.Pro187_Pro188delinsSer.
Molecular consequence: inframe indel.
Genome position (GRCh38, 1-based): chr19:33,301,853-33,301,857, GCGGC replaced by AG on the plus strand (GCCGC replaced by CT on the coding strand, the reverse complement: CEBPA is on the minus strand). VCF-style: chr19-33301853-GCGGC-AG. GRCh37 (hg19) VCF-style: chr19-33792759-GCGGC-AG.
Other names: c.201_205delinsCT, p.Pro68_Pro69delinsSer (NM_001285829.2); c.663_667delinsCT, p.Pro222_Pro223delinsSer (NM_001287424.2); c.516_520delinsCT, p.Pro173_Pro174delinsSer (NM_001287435.2).
Identifiers: ClinVar variation 3831188 (VCV003831188.1).

ClinVar aggregate classification (germline): Uncertain significance (1 of 4 stars; one submission).

Conditions:
Inborn genetic diseases. Identifiers: MedGen C0950123, MeSH D030342.

Submission:

Ambry Genetics
Classification: Uncertain significance for Inborn genetic diseases. Last evaluated: 2025-02-24. Review status: criteria provided, single submitter. Criteria: Ambry Variant Classification Scheme 2023. Collection method: clinical testing. Allele origin: germline.
Comment: The c.558_562delGCCGCinsCT variant (also known as p.P187_P188delinsS), located in coding exon 1 of the CEBPA gene, results from an in-frame deletion of GCCGC and insertion of CT at nucleotide positions 558 to 562. This results in the deletion of two amino acids (PP) and the insertion of a serine residue at codons 187 and 188. This amino acid region is not well conserved in available vertebrate species. In addition, this alteration is predicted to be neutral by in silico analysis (Choi Y et al. PLoS ONE. 2012; 7(10):e46688). Based on the available evidence, the clinical significance of this variant remains unclear.